The following is an entry in ClinVar:

NM_017866.6(TMEM70):c.314T>G (p.Phe105Cys)

Gene: TMEM70 (transmembrane protein 70; plus strand). Cytogenetic location: 8q21.11.
Variant type: single nucleotide variant.
Coding change: c.314T>G on transcript NM_017866.6 (MANE Select); coding-DNA position 314, T replaced by G.
Protein change: p.Phe105Cys; replaces phenylalanine 105 with cysteine.
Molecular consequence: missense variant. On other transcripts: non-coding transcript variant (1).
Genome position (GRCh38, 1-based): chr8:73,978,859, T>G. VCF-style: chr8-73978859-T-G. GRCh37 (hg19) VCF-style: chr8-74891094-T-G.
Other names: c.314T>G (NM_017866.5); c.314T>G, p.Phe105Cys (NM_001040613.3); short protein forms F105C.
Identifiers: ClinVar variation 1430088 (VCV001430088.6), dbSNP rs376101721, ClinGen allele CA4783998.
Genomic context (GRCh38, chr8:73,978,859, plus strand): 5'-CATCTGACAAATCAGAAGATGGAAGGCTAATTTATACTGGCAATATGGCCCGAGCAGTGT[T>G]TGGTAAGTAATTGGAGGTGGGTGTACTTACTTTGTTTTTTTCTCTTTTAATTGTAAAAAT-3'
Protein context (NP_060336.3, residues 95-115): IYTGNMARAV[Phe105Cys]GVKCFSYSTS

ClinVar aggregate classification (germline): Uncertain significance. Review status: criteria provided, multiple submitters, no conflicts (2 of 4 stars). 2 submissions from 2 submitters: Uncertain significance (2). Last evaluated 2022-05-30.

Conditions:
Inborn genetic diseases. Identifiers: MedGen C0950123, MeSH D030342.
Mitochondrial complex V (ATP synthase) deficiency, nuclear type 2. Also called: Nuclear-Encoded ATPase Deficiency, TMEM70-Related; ENCEPHALOCARDIOMYOPATHY, MITOCHONDRIAL, NEONATAL, DUE TO ATP SYNTHASE DEFICIENCY; MITOCHONDRIAL COMPLEX V (ATP SYNTHASE) DEFICIENCY, TMEM70 TYPE. Identifiers: Orphanet 1194, MedGen C3279699, MONDO:0013546, OMIM 614052.

Allele frequency attached by ClinVar (database versions not stated): gnomAD exomes below 0.00001 and 0.00001; gnomAD 0.00001; ExAC 0.00002; TOPMed 0.00005; ESP Exome Variant Server 0.00008.
gnomAD v4.1: 7 of 1,614,016 alleles (0.00043%); highest among the groups gnomAD compares: African/African-American, 0.008%; no homozygotes.

Submissions (2):

Labcorp Genetics (formerly Invitae), Labcorp
Classification: Uncertain significance for Mitochondrial complex V (ATP synthase) deficiency, nuclear type 2. Last evaluated: 2022-05-30. Review status: criteria provided, single submitter. Criteria: Invitae Variant Classification Sherloc (09022015). Collection method: clinical testing. Allele origin: germline.
Comment: This sequence change replaces phenylalanine, which is neutral and non-polar, with cysteine, which is neutral and slightly polar, at codon 105 of the TMEM70 protein (p.Phe105Cys). This variant is present in population databases (rs376101721, gnomAD 0.01%). This variant has not been reported in the literature in individuals affected with TMEM70-related conditions. ClinVar contains an entry for this variant (Variation ID: 1430088). Algorithms developed to predict the effect of missense changes on protein structure and function are either unavailable or do not agree on the potential impact of this missense change (SIFT: "Deleterious"; PolyPhen-2: "Benign"; Align-GVGD: "Class C0"). In summary, the available evidence is currently insufficient to determine the role of this variant in disease. Therefore, it has been classified as a Variant of Uncertain Significance.

Ambry Genetics
Classification: Uncertain significance for Inborn genetic diseases. Last evaluated: 2022-03-16. Review status: criteria provided, single submitter. Criteria: Ambry Variant Classification Scheme 2023. Collection method: clinical testing. Allele origin: germline.